The following is an entry in ClinVar:

ClinVar aggregate classification (germline): Uncertain significance (1 of 4 stars; one submission).

Conditions:
Cardiovascular phenotype. Identifiers: MedGen CN230736.

Allele frequency attached by ClinVar (database versions not stated): TOPMed below 0.00001; gnomAD 0.00001; gnomAD exomes 0.00001; ExAC 0.00003.
gnomAD v4.1: 16 of 1,612,998 alleles (0.00099%); highest among the groups gnomAD compares: Non-Finnish European, 0.0014%; no homozygotes.

Submission:

Ambry Genetics
Classification: Uncertain significance for Cardiovascular phenotype. Last evaluated: 2025-07-30. Review status: criteria provided, single submitter. Criteria: Ambry Variant Classification Scheme 2023. Collection method: clinical testing. Allele origin: germline.
Comment: The p.F1708L variant (also known as c.5124C>G), located in coding exon 13 of the TNXB gene, results from a C to G substitution at nucleotide position 5124. The phenylalanine at codon 1708 is replaced by leucine, an amino acid with highly similar properties. This amino acid position is not well conserved in available vertebrate species. In addition, this alteration is predicted to be tolerated by in silico analysis. Based on the available evidence, the clinical significance of this variant remains unclear.

NM_001365276.2(TNXB):c.5124C>G (p.Phe1708Leu)

Gene: TNXB (tenascin XB; minus strand). Cytogenetic location: 6p21.33.
Variant type: single nucleotide variant.
Coding change: c.5124C>G on transcript NM_001365276.2 (MANE Select); coding-DNA position 5124, C replaced by G.
Protein change: p.Phe1708Leu; replaces phenylalanine 1708 with leucine.
Molecular consequence: missense variant.
Genome position (GRCh38, 1-based): chr6:32,070,281, G>C on the plus strand (C>G on the coding strand, the complement: TNXB is on the minus strand). VCF-style: chr6-32070281-G-C. GRCh37 (hg19) VCF-style: chr6-32038058-G-C.
Other names: c.5124C>G, p.Phe1708Leu (NM_019105.8); short protein forms F1708L.
Identifiers: ClinVar variation 2464143 (VCV002464143.4), dbSNP rs763441784, ClinGen allele CA3734787.
Genomic context (GRCh38, chr6:32,070,281, plus strand): 5'-GACAGTGACAGAGCGCTCATGGCCCTCCACGGGCACCACCTGGGGCCCGTCTTTGTCCTT[G>C]AACTGGACCACAAAAGAGTCGAACTGGCCCTCAGGAACCGTCCAGGAGAGGCGCAGTGAG-3'
Protein context (NP_001352205.1, residues 1698-1718): EGQFDSFVVQ[Phe1708Leu]KDKDGPQVVP